The following is an entry in ClinVar:

ClinVar aggregate classification (germline): Uncertain significance. Review status: criteria provided, multiple submitters, no conflicts (2 of 4 stars). 2 submissions from 2 submitters: Uncertain significance (2). Last evaluated 2025-07-28.

Conditions:
ITK-related disorder. Also called: ITK-related condition.
Lymphoproliferative syndrome 1 (LPFS1). Identifiers: Orphanet 238505, Orphanet 538963, MedGen C3552634, MONDO:0013081, OMIM 613011.

Allele frequency attached by ClinVar (database versions not stated): gnomAD exomes 0.00001 and 0.00002; ExAC 0.00003; gnomAD 0.00009; 1000 Genomes Project 30x 0.00016; TOPMed 0.00018; 1000 Genomes Project 0.00020.
gnomAD v4.1: 36 of 1,613,840 alleles (0.0022%); highest among the groups gnomAD compares: Admixed American, 0.027%; no homozygotes.

Submissions (2):

PreventionGenetics, part of Exact Sciences
Classification: Uncertain significance for ITK-related condition. Last evaluated: 2025-07-28. Review status: criteria provided, single submitter. Criteria: ACMG Guidelines, 2015. Collection method: clinical testing. Allele origin: germline.
Comment: The ITK c.1004G>A variant is predicted to result in the amino acid substitution p.Arg335Gln. To our knowledge, this variant has not been reported in the literature. This variant is reported in 0.0039% of alleles in individuals of European (Non-Finnish) descent in gnomAD. At this time, the clinical significance of this variant is uncertain due to the absence of conclusive functional and genetic evidence.

Labcorp Genetics (formerly Invitae), Labcorp
Classification: Uncertain significance for Lymphoproliferative syndrome 1. Last evaluated: 2022-08-23. Review status: criteria provided, single submitter. Criteria: Invitae Variant Classification Sherloc (09022015). Collection method: clinical testing. Allele origin: germline.
Comment: This sequence change replaces arginine, which is basic and polar, with glutamine, which is neutral and polar, at codon 335 of the ITK protein (p.Arg335Gln). This variant is present in population databases (rs546493307, gnomAD 0.006%). This variant has not been reported in the literature in individuals affected with ITK-related conditions. ClinVar contains an entry for this variant (Variation ID: 941330). Advanced modeling of protein sequence and biophysical properties (such as structural, functional, and spatial information, amino acid conservation, physicochemical variation, residue mobility, and thermodynamic stability) performed at Invitae indicates that this missense variant is not expected to disrupt ITK protein function. Algorithms developed to predict the effect of sequence changes on RNA splicing suggest that this variant may create or strengthen a splice site. This variant disrupts the p.Arg335 amino acid residue in ITK. Other variant(s) that disrupt this residue have been determined to be pathogenic (PMID: 19425169, 22289921, 27454071). This suggests that this residue is clinically significant, and that variants that disrupt this residue are likely to be disease-causing. In summary, the available evidence is currently insufficient to determine the role of this variant in disease. Therefore, it has been classified as a Variant of Uncertain Significance.

Literature cited by the submitters: PubMed 19425169 (cited by Labcorp Genetics (formerly Invitae), Labcorp); PubMed 22289921 (cited by Labcorp Genetics (formerly Invitae), Labcorp); PubMed 27454071 (cited by Labcorp Genetics (formerly Invitae), Labcorp).

NM_005546.4(ITK):c.1004G>A (p.Arg335Gln)

Gene: ITK (IL2 inducible T cell kinase; plus strand). Cytogenetic location: 5q33.3.
Variant type: single nucleotide variant.
Coding change: c.1004G>A on transcript NM_005546.4 (MANE Select); coding-DNA position 1004, G replaced by A.
Protein change: p.Arg335Gln; replaces arginine 335 with glutamine.
Molecular consequence: missense variant.
Genome position (GRCh38, 1-based): chr5:157,241,664, G>A. VCF-style: chr5-157241664-G-A. GRCh37 (hg19) VCF-style: chr5-156668674-G-A.
Other names: short protein forms R335Q.
Identifiers: ClinVar variation 941330 (VCV000941330.6), dbSNP rs546493307, ClinGen allele CA3532976.